The following is an entry in ClinVar:

NM_020529.3(NFKBIA):c.185G>A (p.Gly62Asp)

Gene: NFKBIA (NFKB inhibitor alpha; minus strand). Cytogenetic location: 14q13.2.
Variant type: single nucleotide variant.
Coding change: c.185G>A on transcript NM_020529.3 (MANE Select); coding-DNA position 185, G replaced by A.
Protein change: p.Gly62Asp; replaces glycine 62 with aspartic acid.
Molecular consequence: missense variant.
Genome position (GRCh38, 1-based): chr14:35,404,460, C>T on the plus strand (G>A on the coding strand, the complement: NFKBIA is on the minus strand). VCF-style: chr14-35404460-C-T. GRCh37 (hg19) VCF-style: chr14-35873666-C-T.
Other names: short protein forms G62D.
Identifiers: ClinVar variation 2776511 (VCV002776511.3), dbSNP rs1698098775, ClinGen allele CA389454997.
Genomic context (GRCh38, chr14:35,404,460, plus strand): 5'-CGGGCCTCCGCCACTTACGAGTCCCCGTCCTCGGTGAGCTGCTGCTTCCAGGGCTCCGAG[C>T]CGCGCGGCACCTCCTGCGGCTCGAGGCGGATCTCCTGCAGCTCCTTGACCATCTGCTCGT-3'
Protein context (NP_065390.1, residues 52-72): IRLEPQEVPR[Gly62Asp]SEPWKQQLTE

ClinVar aggregate classification (germline): Uncertain significance (1 of 4 stars; one submission).

Conditions:
Ectodermal dysplasia and immunodeficiency 2. Identifiers: Orphanet 238468, Orphanet 98813, MedGen C2677481, MONDO:0012806, OMIM 612132.

Allele frequency attached by ClinVar (database versions not stated): gnomAD exomes below 0.00001.

Submission:

Labcorp Genetics (formerly Invitae), Labcorp
Classification: Uncertain significance for Ectodermal dysplasia and immunodeficiency 2. Last evaluated: 2023-08-04. Review status: criteria provided, single submitter. Criteria: Invitae Variant Classification Sherloc (09022015). Collection method: clinical testing. Allele origin: germline.
Comment: This variant has not been reported in the literature in individuals affected with NFKBIA-related conditions. This variant is not present in population databases (gnomAD no frequency). This sequence change replaces glycine, which is neutral and non-polar, with aspartic acid, which is acidic and polar, at codon 62 of the NFKBIA protein (p.Gly62Asp). In summary, the available evidence is currently insufficient to determine the role of this variant in disease. Therefore, it has been classified as a Variant of Uncertain Significance. An algorithm developed to predict the effect of missense changes on protein structure and function (PolyPhen-2) suggests that this variant is likely to be tolerated.